The following is an entry in ClinVar:

ClinVar aggregate classification (germline): Uncertain significance. Review status: criteria provided, multiple submitters, no conflicts (2 of 4 stars). 2 submissions from 2 submitters: Uncertain significance (2). Last evaluated 2024-10-24.

Conditions:
Fanconi anemia (FA). Also called: Fanconi's anemia. Identifiers: Orphanet 84, MedGen C0015625, MeSH D005199, MONDO:0019391.

Allele frequency attached by ClinVar (database versions not stated): gnomAD exomes below 0.00001.
gnomAD v4.1: 8 of 1,607,788 alleles (0.0005%); highest among the groups gnomAD compares: African/African-American, 0.0067%; no homozygotes.

Submissions (2):

Labcorp Genetics (formerly Invitae), Labcorp
Classification: Uncertain significance for Fanconi anemia. Last evaluated: 2024-10-24. Review status: criteria provided, single submitter. Criteria: Invitae Variant Classification Sherloc (09022015). Collection method: clinical testing. Allele origin: germline.
Comment: This sequence change replaces valine, which is neutral and non-polar, with leucine, which is neutral and non-polar, at codon 1393 of the SLX4 protein (p.Val1393Leu). This variant is not present in population databases (gnomAD no frequency). This variant has not been reported in the literature in individuals affected with SLX4-related conditions. ClinVar contains an entry for this variant (Variation ID: 2163537). An algorithm developed to predict the effect of missense changes on protein structure and function (PolyPhen-2) suggests that this variant is likely to be disruptive. In summary, the available evidence is currently insufficient to determine the role of this variant in disease. Therefore, it has been classified as a Variant of Uncertain Significance.

Blueprint Genetics
Classification: Uncertain significance. Last evaluated: 2024-02-16. Review status: criteria provided, single submitter. Criteria: ACMG Guidelines, 2015. Collection method: clinical testing. Allele origin: germline.

NM_032444.4(SLX4):c.4177G>C (p.Val1393Leu)

Gene: SLX4 (SLX4 structure-specific endonuclease subunit; minus strand). Cytogenetic location: 16p13.3.
Variant type: single nucleotide variant.
Coding change: c.4177G>C on transcript NM_032444.4 (MANE Select); coding-DNA position 4177, G replaced by C.
Protein change: p.Val1393Leu; replaces valine 1393 with leucine.
Molecular consequence: missense variant.
Genome position (GRCh38, 1-based): chr16:3,589,461, C>G on the plus strand (G>C on the coding strand, the complement: SLX4 is on the minus strand). VCF-style: chr16-3589461-C-G. GRCh37 (hg19) VCF-style: chr16-3639462-C-G.
Other names: short protein forms V1393L.
Identifiers: ClinVar variation 2163537 (VCV002163537.5), dbSNP rs1158611556, ClinGen allele CA394518268.